The following is an entry in ClinVar:

ClinVar aggregate classification (germline): Uncertain significance. Review status: criteria provided, multiple submitters, no conflicts (2 of 4 stars). 2 submissions from 2 submitters: Uncertain significance (2). Last evaluated 2023-12-05.

Conditions:
Cardiomyopathy (CMYO). Also called: Cardiomyopathies. Identifiers: Orphanet 167848, MedGen C0878544, MONDO:0004994, HP:0001638. Inheritance: Various modes of inheritance.
Hypertrophic cardiomyopathy. Also called: HYPERTROPHIC MYOCARDIOPATHY. Identifiers: Orphanet 217569, MedGen C0007194, MeSH D002312, MONDO:0005045, HP:0001639.

Submissions (2):

Color Diagnostics, LLC DBA Color Health
Classification: Uncertain significance for Cardiomyopathy. Last evaluated: 2023-12-05. Review status: criteria provided, single submitter. Criteria: ACMG Guidelines, 2015. Collection method: clinical testing. Allele origin: germline.
Comment: Variant of Uncertain Significance due to insufficient evidence: This missense variant is located in the myosin head/motor (S1) domain of the MYH7 protein. Computational prediction tools and conservation analyses suggest that this variant may have deleterious impact on the protein function. Computational splicing tools suggest that this variant may not impact RNA splicing. To our knowledge, functional assays have not been performed for this variant nor has this variant been reported in individuals affected with cardiovascular disorders in the literature. This variant is rare in the general population and has been identified in 0/277264 chromosomes by the Genome Aggregation Database (gnomAD). Available evidence is insufficient to determine the role of this variant in disease conclusively.

Labcorp Genetics (formerly Invitae), Labcorp
Classification: Uncertain significance for Hypertrophic cardiomyopathy. Last evaluated: 2023-09-07. Review status: criteria provided, single submitter. Criteria: Invitae Variant Classification Sherloc (09022015). Collection method: clinical testing. Allele origin: germline.
Comment: In summary, the available evidence is currently insufficient to determine the role of this variant in disease. Therefore, it has been classified as a Variant of Uncertain Significance. Advanced modeling of protein sequence and biophysical properties (such as structural, functional, and spatial information, amino acid conservation, physicochemical variation, residue mobility, and thermodynamic stability) performed at Invitae indicates that this missense variant is expected to disrupt MYH7 protein function. ClinVar contains an entry for this variant (Variation ID: 928021). This variant has not been reported in the literature in individuals affected with MYH7-related conditions. This variant is not present in population databases (gnomAD no frequency). This sequence change replaces asparagine, which is neutral and polar, with histidine, which is basic and polar, at codon 562 of the MYH7 protein (p.Asn562His).

NM_000257.4(MYH7):c.1684A>C (p.Asn562His)

Gene: MYH7 (myosin heavy chain 7; minus strand). Cytogenetic location: 14q11.2.
Variant type: single nucleotide variant.
Coding change: c.1684A>C on transcript NM_000257.4 (MANE Select); coding-DNA position 1684, A replaced by C.
Protein change: p.Asn562His; replaces asparagine 562 with histidine.
Molecular consequence: missense variant.
Genome position (GRCh38, 1-based): chr14:23,427,789, T>G on the plus strand (A>C on the coding strand, the complement: MYH7 is on the minus strand). VCF-style: chr14-23427789-T-G. GRCh37 (hg19) VCF-style: chr14-23896998-T-G.
Other names: short protein forms N562H.
Identifiers: ClinVar variation 928021 (VCV000928021.7), dbSNP rs397516118, ClinGen allele CA389050042.